The following is an entry in ClinVar:

NM_001148.6(ANK2):c.1427A>G (p.Gln476Arg)

Gene: ANK2 (ankyrin 2; plus strand). Cytogenetic location: 4q26.
Variant type: single nucleotide variant.
Coding change: c.1427A>G on transcript NM_001148.6 (MANE Select); coding-DNA position 1427, A replaced by G.
Protein change: p.Gln476Arg; replaces glutamine 476 with arginine.
Molecular consequence: missense variant.
Genome position (GRCh38, 1-based): chr4:113,264,937, A>G. VCF-style: chr4-113264937-A-G. GRCh37 (hg19) VCF-style: chr4-114186093-A-G.
Other names: c.1364A>G, p.Gln455Arg (NM_001127493.3, NM_001354239.2, NM_001354243.2 and 14 more transcripts); c.1427A>G, p.Gln476Arg (NM_001354225.2, NM_001354228.2, NM_001354232.2 and 8 more transcripts); c.1472A>G, p.Gln491Arg (NM_001354230.2, NM_001354231.2, NM_001354237.2 and 5 more transcripts); c.1340A>G, p.Gln447Arg (NM_001354249.2, NM_001354260.2, NM_001354264.2 and 13 more transcripts); c.1385A>G, p.Gln462Arg (NM_001354261.2, NM_001386147.1, NM_001386160.1); c.1217A>G, p.Gln406Arg (NM_001354269.3); c.1229A>G, p.Gln410Arg (NM_001354273.2); c.1142A>G, p.Gln381Arg (NM_001354277.2, NM_001386157.1, NM_001386158.1); and 4 more; short protein forms Q455R, Q476R, Q462R, Q491R, Q381R, Q410R, Q406R, Q447R.
Identifiers: ClinVar variation 487619 (VCV000487619.9), dbSNP rs1203193073, ClinGen allele CA357930982.

ClinVar aggregate classification (germline): Uncertain significance. Review status: criteria provided, multiple submitters, no conflicts (2 of 4 stars). 4 submissions from 4 submitters: Uncertain significance (3). 1 of the submissions does not count toward it. Last evaluated 2023-12-10.

Conditions:
Long QT syndrome (LQTS). Identifiers: MedGen C0023976, MeSH D008133, MONDO:0002442. Disease mechanism: loss of function. Inheritance: Various modes of inheritance.
Wolff-Parkinson-White pattern. Also called: WPW SYNDROME; Auriculoventricular accessory pathway syndrome; False bundle branch block syndrome; Anomalous ventricular excitation syndrome. Identifiers: MedGen C0043202, MONDO:0008685, OMIM 194200, HP:0001716.

Allele frequency attached by ClinVar (database versions not stated): TOPMed below 0.00001; gnomAD 0.00001.

Submissions (4):

GeneDx
Classification: Uncertain significance. Last evaluated: 2023-12-10. Review status: criteria provided, single submitter. Criteria: GeneDx Variant Classification Process June 2021. Collection method: clinical testing. Allele origin: germline. Affected: yes.
Comment: Observed in an individual with Wolff-Parkinson-White syndrome and supraventricular tachycardia (PMID: 32233023); In silico analysis supports that this missense variant has a deleterious effect on protein structure/function; Not observed at significant frequency in large population cohorts (gnomAD); This variant is associated with the following publications: (PMID: 32233023)

Revvity Omics, Revvity
Classification: Uncertain significance. Last evaluated: 2021-11-30. Review status: criteria provided, single submitter. Criteria: ACMG Guidelines, 2015. Collection method: clinical testing. Allele origin: germline.

Labcorp Genetics (formerly Invitae), Labcorp
Classification: Uncertain significance for Long QT syndrome. Last evaluated: 2018-03-01. Review status: criteria provided, single submitter. Criteria: Invitae Variant Classification Sherloc (09022015). Collection method: clinical testing. Allele origin: germline.
Comment: This sequence change replaces glutamine with arginine at codon 476 of the ANK2 protein (p.Gln476Arg). The glutamine residue is highly conserved and there is a small physicochemical difference between glutamine and arginine. This variant is not present in population databases (ExAC no frequency). This variant has not been reported in the literature in individuals with ANK2-related disease. Algorithms developed to predict the effect of missense changes on protein structure and function do not agree on the potential impact of this missense change (SIFT: "Tolerated"; PolyPhen-2: "Probably Damaging"; Align-GVGD: "Class C0"). In summary, the available evidence is currently insufficient to determine the role of this variant in disease. Therefore, it has been classified as a Variant of Uncertain Significance.

Lupski Lab, Baylor-Hopkins CMG, Baylor College of Medicine
Classification: Uncertain significance for Wolff-Parkinson-White pattern. Last evaluated: 2017-07-14. Review status: no assertion criteria provided. Collection method: research. Allele origin: inherited. Affected: yes. Observed: 1 variant allele. Study: Candidate_variants_in_patients_with_ Wolff-Parkinson-White Syndrome. Not counted in ClinVar's aggregate classification.